The following is an entry in ClinVar:

NM_020708.5(SLC12A5):c.1989G>C (p.Gly663=)

Gene: SLC12A5 (solute carrier family 12 member 5; plus strand). Cytogenetic location: 20q13.12.
Variant type: single nucleotide variant.
Coding change: c.1989G>C on transcript NM_020708.5 (MANE Select); coding-DNA position 1989, G replaced by C.
Protein change: p.Gly663=; no amino-acid change (glycine 663 retained).
Molecular consequence: synonymous variant.
Genome position (GRCh38, 1-based): chr20:46,048,062, G>C. VCF-style: chr20-46048062-G-C. GRCh37 (hg19) VCF-style: chr20-44676701-G-C.
Other names: c.2058G>C, p.Gly686= (NM_001134771.2).
Identifiers: ClinVar variation 770098 (VCV000770098.52), dbSNP rs373648545, ClinGen allele CA9887494.
Genomic context (GRCh38, chr20:46,048,062, plus strand): 5'-TGGGATACGAGGTCTGTCTCTCAGTGCGGCTCGCTATGCCCTCTTACGCCTGGAGGAAGG[G>C]CCCCCACACACCAAGAACTGGAGGTTAGTGGTGAGGGCACGGGTGTGCATAAGAGTGTGT-3'
Protein context (NP_065759.1, residues 653-673): ARYALLRLEE[Gly663=]PPHTKNWRPQ

ClinVar aggregate classification (germline): Likely benign. Review status: criteria provided, multiple submitters, no conflicts (2 of 4 stars). 3 submissions from 3 submitters: Likely benign (3). Last evaluated 2026-02-02.

Conditions:
Developmental and epileptic encephalopathy, 34 (DEE34). Also called: Early infantile epileptic encephalopathy 34; SLC12A5-Related Epilepsy of Infancy with Migrating Focal Seizures. Identifiers: Orphanet 293181, MedGen C4225257, MONDO:0014718, OMIM 616645.

Allele frequency attached by ClinVar (database versions not stated): gnomAD 0.00027 and 0.00029; TOPMed 0.00028; ESP Exome Variant Server 0.00038.
gnomAD v4.1: 609 of 1,612,344 alleles (0.038%); highest among the groups gnomAD compares: Non-Finnish European, 0.048%; no homozygotes.

Submissions (3):

Labcorp Genetics (formerly Invitae), Labcorp
Classification: Likely benign for Developmental and epileptic encephalopathy, 34. Last evaluated: 2026-02-02. Review status: criteria provided, single submitter. Criteria: Invitae Variant Classification Sherloc (09022015). Collection method: clinical testing. Allele origin: germline.

CeGaT Center for Human Genetics Tuebingen
Classification: Likely benign. Last evaluated: 2024-05-01. Review status: criteria provided, single submitter. Criteria: CeGaT Center For Human Genetics Tuebingen Variant Classification Criteria Version 2. Collection method: clinical testing. Allele origin: germline. Affected: yes. Observed: 3 variant alleles.
Comment: SLC12A5: BP4, BP7

Blueprint Genetics
Classification: Likely benign. Last evaluated: 2023-07-25. Review status: criteria provided, single submitter. Criteria: ACMG Guidelines, 2015. Collection method: clinical testing. Allele origin: germline.